The following is an entry in ClinVar:

NM_000426.4(LAMA2):c.4898T>C (p.Ile1633Thr)

Gene: LAMA2 (laminin subunit alpha 2; plus strand). Cytogenetic location: 6q22.33.
Variant type: single nucleotide variant.
Coding change: c.4898T>C on transcript NM_000426.4 (MANE Select); coding-DNA position 4898, T replaced by C.
Protein change: p.Ile1633Thr; replaces isoleucine 1633 with threonine.
Molecular consequence: missense variant.
Genome position (GRCh38, 1-based): chr6:129,369,929, T>C. VCF-style: chr6-129369929-T-C. GRCh37 (hg19) VCF-style: chr6-129691074-T-C.
Other names: c.4898T>C, p.Ile1633Thr (NM_001079823.2); short protein forms I1633T.
Identifiers: ClinVar variation 1007367 (VCV001007367.4), dbSNP rs904703791, ClinGen allele CA146920443.

ClinVar aggregate classification (germline): Uncertain significance (1 of 4 stars; one submission).

Conditions:
LAMA2-related muscular dystrophy (LAMA2-RD). Also called: Laminin alpha 2-related dystrophy. Identifiers: MedGen C5679788, MONDO:0100228.

Allele frequency attached by ClinVar (database versions not stated): gnomAD exomes below 0.00001; TOPMed 0.00001.
gnomAD v4.1: 4 of 1,614,136 alleles (0.00025%); highest among the groups gnomAD compares: Non-Finnish European, 0.00034%; no homozygotes.

Submission:

Labcorp Genetics (formerly Invitae), Labcorp
Classification: Uncertain significance for LAMA2-related muscular dystrophy. Last evaluated: 2025-01-27. Review status: criteria provided, single submitter. Criteria: Invitae Variant Classification Sherloc (09022015). Collection method: clinical testing. Allele origin: germline.
Comment: This sequence change replaces isoleucine, which is neutral and non-polar, with threonine, which is neutral and polar, at codon 1633 of the LAMA2 protein (p.Ile1633Thr). This variant is present in population databases (no rsID available, gnomAD 0.0009%). This variant has not been reported in the literature in individuals affected with LAMA2-related conditions. ClinVar contains an entry for this variant (Variation ID: 1007367). Invitae Evidence Modeling of protein sequence and biophysical properties (such as structural, functional, and spatial information, amino acid conservation, physicochemical variation, residue mobility, and thermodynamic stability) indicates that this missense variant is not expected to disrupt LAMA2 protein function with a negative predictive value of 95%. In summary, the available evidence is currently insufficient to determine the role of this variant in disease. Therefore, it has been classified as a Variant of Uncertain Significance.